The following is an entry in ClinVar:

ClinVar aggregate classification (germline): not provided. Review status: no classification provided (0 of 4 stars). 4 submissions from 1 submitter: not provided (4).

Conditions:
Preeclampsia. Identifiers: Orphanet 275555, MedGen C0032914, MONDO:0005081, HP:0100602.
Normal pregnancy. Identifiers: MedGen C0232989.
Small for gestational age. Also called: Low birth weight. Identifiers: MedGen C0235991, HP:0001518.
Large for gestational age. Identifiers: MedGen C1848395, HP:0001520.

Submissions (4):

Institute of Molecular and Cell Biology, University of Tartu
No classification provided. Condition: Small for gestational age. Review status: no classification provided. Collection method: case-control. Allele origin: unknown. Affected: yes. Study: Kasak2014.
Comment: The study aimed to determine the contribution of copy number variants in the genetic etiology of normal and complicated pregnancies. The samples represented (i) maternal blood DNA drawn from healthy pregnant women during 1st or 2nd trimester and (ii) maternal and paternal blood DNA drawn at term pregnancy cases representing normal and complicated gestations (severe preeclampsia, PE; gestational diabetes, GD; small-for-gestational age newborn, SGA; large-for-gestational age newborn, LGA). We performed CNV calling based on genome-wide genotyping dataset (Illumina HumanOmniExpress-24-v1 BeadChip) by applying three algorithms, QuantiSNP, GADA (Genome Alteration Detection Algorithm) and CNstream in parallel. The acquired CNV calls were merged with HD-CNV (Hotspot Detector for Copy Number Variants) program and only the CNVs predicted by at least two programs, were considered in subsequent analysis.

Institute of Molecular and Cell Biology, University of Tartu
No classification provided. Condition: Large for gestational age. Review status: no classification provided. Collection method: case-control. Allele origin: unknown. Affected: yes. Study: Kasak2014.
Comment: the same text as in the submission from Institute of Molecular and Cell Biology, University of Tartu above.

Institute of Molecular and Cell Biology, University of Tartu
No classification provided. Condition: Preeclampsia. Review status: no classification provided. Collection method: case-control. Allele origin: unknown. Affected: yes. Study: Kasak2014.
Comment: the same text as in the submission from Institute of Molecular and Cell Biology, University of Tartu above.

Institute of Molecular and Cell Biology, University of Tartu
No classification provided. Condition: Normal pregnancy. Review status: no classification provided. Collection method: case-control. Allele origin: unknown. Affected: yes. Study: Kasak2014.
Comment: the same text as in the submission from Institute of Molecular and Cell Biology, University of Tartu above.

Literature cited by the submitters: PubMed 25666259.

NC_000009.12:g.83588331_83591428del

Gene: LOC124310574 (Sharpr-MPRA regulatory region 13153; plus strand). Cytogenetic location: 9q21.32.
Variant type: Deletion.
Genome position: GRCh38: chr9:83,588,331-83,591,428. GRCh37 (hg19): chr9:86,203,246-86,206,343.
Identifiers: ClinVar variation 157147 (VCV000157147.3), ClinGen allele CA212255.